The following is an entry in ClinVar:

NM_001844.5(COL2A1):c.2095-4G>A

Gene: COL2A1 (collagen type II alpha 1 chain; minus strand). Cytogenetic location: 12q13.11.
Variant type: single nucleotide variant.
Coding change: c.2095-4G>A on transcript NM_001844.5 (MANE Select); 4 bases into the intron before coding-DNA position 2095, G replaced by A.
Molecular consequence: intron variant.
Genome position (GRCh38, 1-based): chr12:47,982,950, C>T on the plus strand (G>A on the coding strand, the complement: COL2A1 is on the minus strand). VCF-style: chr12-47982950-C-T. GRCh37 (hg19) VCF-style: chr12-48376733-C-T.
Other names: c.1888-4G>A (NM_033150.3).
Identifiers: ClinVar variation 308920 (VCV000308920.54), dbSNP rs111570218, ClinGen allele CA6535218.

ClinVar aggregate classification (germline): Benign/Likely benign. Review status: criteria provided, multiple submitters, no conflicts (2 of 4 stars). 12 submissions from 11 submitters: Benign (5); Likely benign (7). Last evaluated 2026-05-12.

Conditions:
Achondrogenesis type II (ACG2). Also called: ACHONDROGENESIS, LANGER-SALDINO TYPE; CHONDROGENESIS IMPERFECTA. Identifiers: Orphanet 932, Orphanet 93296, MedGen C0220685, MONDO:0008702, OMIM 200610.
Avascular necrosis of femoral head, primary, 1 (ANFH1). Also called: Avascular necrosis of femoral head, primary. Identifiers: Orphanet 86820, MedGen C4551562, MONDO:0054550, OMIM 608805.
Spondyloperipheral dysplasia. Also called: Spondyloperipheral dysplasia-short ulna syndrome; SPONDYLOPERIPHERAL DYSPLASIA WITH SHORT ULNA. Identifiers: Orphanet 1856, MedGen C0796173, MONDO:0010078, OMIM 271700.
Stickler syndrome type 1 (STL1). Also called: ARTHROOPHTHALMOPATHY, HEREDITARY PROGRESSIVE; STICKLER SYNDROME, MEMBRANOUS VITREOUS TYPE; STICKLER SYNDROME, VITREOUS TYPE 1; COL2A1-Related Stickler Syndrome. Identifiers: Orphanet 828, Orphanet 90653, MedGen C2020284, MONDO:0007160, OMIM 108300.
Platyspondylic dysplasia, Torrance type (PLSDT). Identifiers: Orphanet 85166, MedGen C1835437, MONDO:0007895, OMIM 151210.
Vitreoretinopathy with phalangeal epiphyseal dysplasia (VPED). Identifiers: MedGen C1852989, MONDO:0031001, OMIM 619248.
Spondyloepiphyseal dysplasia, Stanescu type. Also called: SED, STANESCU TYPE; SPONDYLOEPIMETAPHYSEAL DYSPLASIA, STANESCU TYPE. Identifiers: Orphanet 459051, MedGen C4225273, MONDO:0014701, OMIM 616583.
Multiple epiphyseal dysplasia, Beighton type. Identifiers: Orphanet 166011, MedGen C1851536, MONDO:0007562, OMIM 132450.
Namaqualand hip dysplasia (OSCDP). Also called: Mild spondyloepiphyseal dysplasia due to COL2A1 mutation with early-onset osteoarthritis. Identifiers: Orphanet 93279, MedGen C0432214, MONDO:0011496, OMIM 604864.
Spondyloepiphyseal dysplasia with metatarsal shortening. Also called: CZECH DYSPLASIA, METATARSAL TYPE; SPONDYLOEPIPHYSEAL DYSPLASIA WITH PRECOCIOUS OSTEOARTHRITIS; Pseudorheumatoid dysplasia progressive, with hypoplastic toes. Identifiers: Orphanet 137678, MedGen C1836683, MONDO:0012206, OMIM 609162.
Spondyloepimetaphyseal dysplasia, Strudwick type (SEMDSTWK). Also called: DAPPLED METAPHYSIS SYNDROME; STRUDWICK SYNDROME. Identifiers: Orphanet 93346, MedGen C0700635, MONDO:0008476, OMIM 184250.
Legg-Calve-Perthes disease. Also called: Avascular necrosis of the capital femoral epiphysis; PERTHES DISEASE; Osteochondritis deformans; Coxa plana. Identifiers: Orphanet 2380, MedGen C1442965, MONDO:0007885, OMIM 150600, HP:0005743.
Kniest dysplasia. Identifiers: Orphanet 485, MedGen C0265279, MONDO:0007987, OMIM 156550.
Spondylometaphyseal dysplasia - Sutcliffe type. Also called: Spondylometaphyseal dysplasia, 'corner fracture' type; Sutcliffe type of spondylometaphyseal dysplasia; Sutcliffe SMD; Spondylometaphyseal Dysplasia, Corner Fracture Type. Identifiers: Orphanet 93315, MedGen C0432221, MONDO:0008479, OMIM 184255.
Spondyloepiphyseal dysplasia congenita (SEDC). Also called: SED CONGENITA; SPONDYLOEPIPHYSEAL DYSPLASIA, CONGENITAL TYPE. Identifiers: Orphanet 94068, MedGen C2745959, MONDO:0008471, OMIM 183900.
Stickler syndrome, type I, nonsyndromic ocular. Also called: STICKLER SYNDROME, ATYPICAL; STICKLER SYNDROME, TYPE I, PREDOMINANTLY OCULAR. Identifiers: MedGen C1836080, MONDO:0012287, OMIM 609508.
Connective tissue disorder. Also called: Connective tissue disease. Identifiers: MedGen C0009782, MONDO:0003900.
Type 2 collagenopathy. Identifiers: Orphanet 93421, MedGen C2931073, MONDO:0022800.

Allele frequency attached by ClinVar (database versions not stated): 1000 Genomes Project 30x 0.00016; 1000 Genomes Project 0.00020; gnomAD 0.00089; TOPMed 0.00111; ESP Exome Variant Server 0.00154.
gnomAD v4.1: 1,682 of 1,613,442 alleles (0.1%); highest among the groups gnomAD compares: Middle Eastern, 0.26%; 9 homozygotes.

Submissions (12):

Women's Health and Genetics/Laboratory Corporation of America, LabCorp
Classification: Benign. Last evaluated: 2026-05-12. Review status: criteria provided, single submitter. Criteria: LabCorp Variant Classification Summary - May 2015. Collection method: clinical testing. Allele origin: germline.

CeGaT Center for Human Genetics Tuebingen
Classification: Likely benign. Last evaluated: 2026-02-01. Review status: criteria provided, single submitter. Criteria: CeGaT Center For Human Genetics Tuebingen Variant Classification Criteria Version 2. Collection method: clinical testing. Allele origin: germline. Affected: yes. Observed: 4 variant alleles.
Comment: COL2A1: BP4, BS1

Labcorp Genetics (formerly Invitae), Labcorp
Classification: Benign. Last evaluated: 2026-01-27. Review status: criteria provided, single submitter. Criteria: Invitae Variant Classification Sherloc (09022015). Collection method: clinical testing. Allele origin: germline.

Blueprint Genetics
Classification: Likely benign. Last evaluated: 2024-11-26. Review status: criteria provided, single submitter. Criteria: ACMG Guidelines, 2015. Collection method: clinical testing. Allele origin: germline.

Fulgent Genetics
Classification: Likely benign for Stickler syndrome type 1; Multiple epiphyseal dysplasia, Beighton type; Legg-Calve-Perthes disease; Platyspondylic dysplasia, Torrance type; Kniest dysplasia; Spondyloepiphyseal dysplasia congenita; Spondyloepimetaphyseal dysplasia, Strudwick type; Spondylometaphyseal dysplasia - Sutcliffe type; Achondrogenesis type II; Spondyloperipheral dysplasia; Namaqualand hip dysplasia; Avascular necrosis of femoral head, primary, 1; Spondyloepiphyseal dysplasia with metatarsal shortening; Stickler syndrome, type I, nonsyndromic ocular; Spondyloepiphyseal dysplasia, Stanescu type; Vitreoretinopathy with phalangeal epiphyseal dysplasia. Last evaluated: 2021-12-14. Review status: criteria provided, single submitter. Criteria: ACMG Guidelines, 2015. Collection method: clinical testing. Allele origin: unknown.

ARUP Laboratories, Molecular Genetics and Genomics, ARUP Laboratories
Classification: Benign. Last evaluated: 2018-12-10. Review status: criteria provided, single submitter. Criteria: ARUP Molecular Germline Variant Investigation Process. Collection method: clinical testing. Allele origin: germline.

GeneDx
Classification: Benign. Last evaluated: 2018-06-20. Review status: criteria provided, single submitter. Criteria: GeneDx Variant Classification Process June 2021. Collection method: clinical testing. Allele origin: germline. Affected: yes.

Illumina Laboratory Services, Illumina
Classification: Benign for Type II Collagenopathies. Last evaluated: 2018-01-12. Review status: criteria provided, single submitter. Criteria: ICSL Variant Classification Criteria 13 December 2019. Collection method: clinical testing. Allele origin: germline.
Comment: This variant was observed in the ICSL laboratory as part of a predisposition screen in an ostensibly healthy population. It had not been previously curated by ICSL or reported in the Human Gene Mutation Database (HGMD: prior to June 1st, 2018), and was therefore a candidate for classification through an automated scoring system. Utilizing variant allele frequency, disease prevalence and penetrance estimates, and inheritance mode, an automated score was calculated to assess if this variant is too frequent to cause the disease. Based on the score and internal cut-off values, a variant classified as benign is not then subjected to further curation. The score for this variant resulted in a classification of benign for this disease.

Illumina Laboratory Services, Illumina
Classification: Likely benign for Stickler syndrome type 1. Last evaluated: 2018-01-12. Review status: criteria provided, single submitter. Criteria: ICSL Variant Classification Criteria 13 December 2019. Collection method: clinical testing. Allele origin: germline.
Comment: This variant was observed in the ICSL laboratory as part of a predisposition screen in an ostensibly healthy population. It had not been previously curated by ICSL or reported in the Human Gene Mutation Database (HGMD: prior to June 1st, 2018), and was therefore a candidate for classification through an automated scoring system. Utilizing variant allele frequency, disease prevalence and penetrance estimates, and inheritance mode, an automated score was calculated to assess if this variant is too frequent to cause the disease. Based on the score and internal cut-off values, a variant classified as likely benign is not then subjected to further curation. The score for this variant resulted in a classification of likely benign for this disease.

Eurofins Ntd Llc (ga)
Classification: Likely benign. Last evaluated: 2016-12-09. Review status: criteria provided, single submitter. Criteria: EGL Classification Definitions 2015. Collection method: clinical testing. Allele origin: germline. Observed: 1 variant allele, 1 heterozygote.

Center for Human Genetics, Inc
Classification: Likely benign for Connective tissue disorder. Last evaluated: 2016-11-01. Review status: criteria provided, single submitter. Criteria: ACMG Guidelines, 2015. Collection method: clinical testing. Allele origin: germline. Affected: yes.

Breakthrough Genomics
Classification: Likely benign. Review status: criteria provided, single submitter. Criteria: ACMG Guidelines, 2015. Collection method: not provided. Allele origin: germline. Inheritance: Autosomal dominant inheritance. Affected: yes.